The following is an entry in ClinVar:

ClinVar aggregate classification (germline): Uncertain significance (1 of 4 stars; one submission).

Conditions:
Bloom syndrome (BLM). Also called: Bloom-Torre-Machacek syndrome. Identifiers: Orphanet 125, MedGen C0005859, MONDO:0008876, OMIM 210900.

Submission:

Labcorp Genetics (formerly Invitae), Labcorp
Classification: Uncertain significance for Bloom syndrome. Last evaluated: 2021-08-31. Review status: criteria provided, single submitter. Criteria: Invitae Variant Classification Sherloc (09022015). Collection method: clinical testing. Allele origin: germline.
Comment: This sequence change falls in intron 5 of the BLM gene. It does not directly change the encoded amino acid sequence of the BLM protein. This variant is not present in population databases (ExAC no frequency). This variant has not been reported in the literature in individuals affected with BLM-related conditions. Algorithms developed to predict the effect of sequence changes on RNA splicing suggest that this variant may disrupt the consensus splice site. In summary, the available evidence is currently insufficient to determine the role of this variant in disease. Therefore, it has been classified as a Variant of Uncertain Significance.

NM_000057.4(BLM):c.1088-8T>G

Gene: BLM (BLM RecQ like helicase; plus strand). Cytogenetic location: 15q26.1.
Variant type: single nucleotide variant.
Coding change: c.1088-8T>G on transcript NM_000057.4 (MANE Select); 8 bases into the intron before coding-DNA position 1088, T replaced by G.
Molecular consequence: intron variant. On other transcripts: 5 prime UTR variant (1).
Genome position (GRCh38, 1-based): chr15:90,760,139, T>G. VCF-style: chr15-90760139-T-G. GRCh37 (hg19) VCF-style: chr15-91303369-T-G.
Other names: c.-46T>G (NM_001287248.2); c.1088-8T>G (NM_001287246.2, NM_001287247.2).
Identifiers: ClinVar variation 641023 (VCV000641023.3), dbSNP rs1596228765, ClinGen allele CA915946147.